The following is an entry in ClinVar:

NM_014233.4(UBTF):c.1494C>T (p.Gly498=)

Genes: ATXN7L3-AS1 (ATXN7L3 antisense RNA 1; plus strand), UBTF (upstream binding transcription factor; minus strand). Cytogenetic location: 17q21.31.
Variant type: single nucleotide variant.
Coding change: c.1494C>T on transcript NM_014233.4 (MANE Select); coding-DNA position 1494, C replaced by T.
Protein change: p.Gly498=; no amino-acid change (glycine 498 retained).
Molecular consequence: synonymous variant. On other transcripts: non-coding transcript variant (1).
Genome position (GRCh38, 1-based): chr17:44,210,339, G>A on the plus strand (C>T on the coding strand, the complement: UBTF is on the minus strand). VCF-style: chr17-44210339-G-A. GRCh37 (hg19) VCF-style: chr17-42287707-G-A.
Other names: c.1383C>T, p.Gly461= (NM_001076683.2, NM_001076684.3).
Identifiers: ClinVar variation 2647825 (VCV002647825.24), dbSNP rs2509929362, ClinGen allele CA500618270.
Genomic context (GRCh38, chr17:44,210,339, plus strand): 5'-GCTAGAGGCTGCAGTACTACCCTTTCCCACCCCTGTCACCTTGAAGCGGGCCAGGTAGTC[G>A]CCGATAACGCTCTGTTGCCAGATCTCCTCAGCTCTTTTGGGGGACTCGGGCAGCTTGCCC-3'
Protein context (NP_055048.1, residues 488-508): AEEIWQQSVI[Gly498=]DYLARFKNDR

ClinVar aggregate classification (germline): Uncertain significance (1 of 4 stars; one submission).

Allele frequency attached by ClinVar (database versions not stated): gnomAD exomes below 0.00001.
gnomAD v4.1: 2 of 1,614,234 alleles (0.00012%); highest among the groups gnomAD compares: South Asian, 0.0011%; no homozygotes.

Submission:

CeGaT Center for Human Genetics Tuebingen
Classification: Uncertain significance. Last evaluated: 2023-10-01. Review status: criteria provided, single submitter. Criteria: CeGaT Center For Human Genetics Tuebingen Variant Classification Criteria Version 2. Collection method: clinical testing. Allele origin: germline. Affected: yes. Observed: 1 variant allele.
Comment: UBTF: PM2, PP3